The following is an entry in ClinVar:

NM_003079.5(SMARCE1):c.887C>T (p.Ala296Val)

Gene: SMARCE1 (SWI/SNF related BAF chromatin remodeling complex subunit E1; minus strand). Cytogenetic location: 17q21.2.
Variant type: single nucleotide variant.
Coding change: c.887C>T on transcript NM_003079.5 (MANE Select); coding-DNA position 887, C replaced by T.
Protein change: p.Ala296Val; replaces alanine 296 with valine.
Molecular consequence: missense variant.
Genome position (GRCh38, 1-based): chr17:40,630,854, G>A on the plus strand (C>T on the coding strand, the complement: SMARCE1 is on the minus strand). VCF-style: chr17-40630854-G-A. GRCh37 (hg19) VCF-style: chr17-38787106-G-A.
Other names: short protein forms A296V.
Identifiers: ClinVar variation 1900235 (VCV001900235.5), dbSNP rs2037087035, ClinGen allele CA399363771.
Genomic context (GRCh38, chr17:40,630,854, plus strand): 5'-CTCTGACTGCGCTCAGCTTGCTCTGCGGCCTCCTTCTCCCTTTCCTCCTGCCTTTTGCGG[G>A]CCTGTTCCTCTGCCTGTGCAATCTCAGCTGCAATTTTCTCCATATCCACTTCTACTTTCA-3'
Protein context (NP_003070.3, residues 286-306): AAEIAQAEEQ[Ala296Val]RKRQEEREKE

ClinVar aggregate classification (germline): Uncertain significance (1 of 4 stars; one submission).

Conditions:
Familial meningioma. Also called: Meningioma, familial, susceptibility to. Identifiers: Orphanet 263662, MedGen C3551915, MONDO:0011789, OMIM 607174.

Submission:

Labcorp Genetics (formerly Invitae), Labcorp
Classification: Uncertain significance for Familial meningioma. Last evaluated: 2022-05-27. Review status: criteria provided, single submitter. Criteria: Invitae Variant Classification Sherloc (09022015). Collection method: clinical testing. Allele origin: germline.
Comment: This sequence change replaces alanine, which is neutral and non-polar, with valine, which is neutral and non-polar, at codon 296 of the SMARCE1 protein (p.Ala296Val). This variant is not present in population databases (gnomAD no frequency). In summary, the available evidence is currently insufficient to determine the role of this variant in disease. Therefore, it has been classified as a Variant of Uncertain Significance. Algorithms developed to predict the effect of missense changes on protein structure and function (SIFT, PolyPhen-2, Align-GVGD) all suggest that this variant is likely to be tolerated. This variant has not been reported in the literature in individuals affected with SMARCE1-related conditions.